The following is an entry in ClinVar:

ClinVar aggregate classification (germline): Pathogenic (1 of 4 stars; one submission).

Conditions:
Hypertrophic cardiomyopathy. Also called: HYPERTROPHIC MYOCARDIOPATHY. Identifiers: Orphanet 217569, MedGen C0007194, MeSH D002312, MONDO:0005045, HP:0001639.

Submission:

Labcorp Genetics (formerly Invitae), Labcorp
Classification: Pathogenic for Hypertrophic cardiomyopathy. Last evaluated: 2025-08-24. Review status: criteria provided, single submitter. Criteria: Invitae Variant Classification Sherloc (09022015). Collection method: clinical testing. Allele origin: germline.
Comment: This sequence change creates a premature translational stop signal (p.Phe864Alafs*21) in the MYBPC3 gene. It is expected to result in an absent or disrupted protein product. Loss-of-function variants in MYBPC3 are known to be pathogenic (PMID: 19574547). This variant is not present in population databases (gnomAD no frequency). This variant has not been reported in the literature in individuals affected with MYBPC3-related conditions. For these reasons, this variant has been classified as Pathogenic.

Literature cited by the submitters: PubMed 19574547.

NM_000256.3(MYBPC3):c.2585_2588dup (p.Phe864fs)

Gene: MYBPC3 (myosin binding protein C3; minus strand). Cytogenetic location: 11p11.2.
Variant type: Duplication.
Coding change: c.2585_2588dup on transcript NM_000256.3 (MANE Select); coding-DNA positions 2585 to 2588, 4 bases duplicated (AGCC; older notation c.2585_2588dupAGCC).
Protein change: p.Phe864fs; shifts the reading frame from phenylalanine 864.
Molecular consequence: frameshift variant.
Genome position (GRCh38, 1-based): chr11:47,337,405-47,337,408, GGCT duplicated on the plus strand (AGCC on the coding strand, the reverse complement: MYBPC3 is on the minus strand); duplicating any 4 consecutive bases within chr11:47,337,405-47,337,410 gives the same sequence; the c. name uses the placement nearest the transcript's 3' end. VCF-style (leftmost placement, unchanged base first): chr11-47337404-G-GGGCT. GRCh37 (hg19) VCF-style: chr11-47358955-G-GGGCT.
Other names: short protein forms F864fs.
Identifiers: ClinVar variation 4725953 (VCV004725953.1).